The following is an entry in ClinVar:

ClinVar aggregate classification (germline): Uncertain significance (1 of 4 stars; one submission).

Conditions:
Cardiovascular phenotype. Identifiers: MedGen CN230736.

Submission:

Ambry Genetics
Classification: Uncertain significance for Cardiovascular phenotype. Last evaluated: 2025-05-24. Review status: criteria provided, single submitter. Criteria: Ambry Variant Classification Scheme 2023. Collection method: clinical testing. Allele origin: germline.
Comment: The p.P844S variant (also known as c.2530C>T), located in coding exon 17 of the VCL gene, results from a C to T substitution at nucleotide position 2530. The proline at codon 844 is replaced by serine, an amino acid with similar properties. This amino acid position is conserved. In addition, this alteration is predicted to be tolerated by in silico analysis. Based on the available evidence, the clinical significance of this variant remains unclear.

NM_014000.3(VCL):c.2530C>T (p.Pro844Ser)

Gene: VCL (vinculin; plus strand). Cytogenetic location: 10q22.2.
Variant type: single nucleotide variant.
Coding change: c.2530C>T on transcript NM_014000.3 (MANE Select); coding-DNA position 2530, C replaced by T.
Protein change: p.Pro844Ser; replaces proline 844 with serine.
Molecular consequence: missense variant.
Genome position (GRCh38, 1-based): chr10:74,107,325, C>T. VCF-style: chr10-74107325-C-T. GRCh37 (hg19) VCF-style: chr10-75867083-C-T.
Other names: c.2530C>T, p.Pro844Ser (NM_003373.4); short protein forms P844S.
Identifiers: ClinVar variation 3979543 (VCV003979543.1).